The following is an entry in ClinVar:

ClinVar aggregate classification (germline): Conflicting classifications of pathogenicity. Review status: criteria provided, conflicting classifications (1 of 4 stars). 3 submissions from 3 submitters: Uncertain significance (2); Benign (1). Last evaluated 2026-01-05.

Conditions:
Cardiac arrhythmia, ankyrin-B-related. Also called: ANKYRIN-B SYNDROME. Identifiers: Orphanet 101016, Orphanet 768, MedGen C1970119, MONDO:0010958, OMIM 600919.
Long QT syndrome (LQTS). Identifiers: MedGen C0023976, MeSH D008133, MONDO:0002442. Disease mechanism: loss of function. Inheritance: Various modes of inheritance.
Cardiovascular phenotype. Identifiers: MedGen CN230736.

Allele frequency attached by ClinVar (database versions not stated): gnomAD 0.00002 and 0.00003; TOPMed 0.00002; ExAC 0.00006; gnomAD exomes 0.00006; 1000 Genomes Project 30x 0.00016; 1000 Genomes Project 0.00020.
gnomAD v4.1: 62 of 1,614,068 alleles (0.0038%); highest among the groups gnomAD compares: Middle Eastern, 0.082%; 1 homozygote.

Submissions (3):

Labcorp Genetics (formerly Invitae), Labcorp
Classification: Uncertain significance for Long QT syndrome. Last evaluated: 2026-01-05. Review status: criteria provided, single submitter. Criteria: Invitae Variant Classification Sherloc (09022015). Collection method: clinical testing. Allele origin: germline.
Comment: This sequence change replaces tyrosine, which is neutral and polar, with cysteine, which is neutral and slightly polar, at codon 2808 of the ANK2 protein (p.Tyr2808Cys). This variant is present in population databases (rs545512501, gnomAD 0.04%), and has an allele count higher than expected for a pathogenic variant. This variant has not been reported in the literature in individuals affected with ANK2-related conditions. ClinVar contains an entry for this variant (Variation ID: 1005220). An algorithm developed to predict the effect of missense changes on protein structure and function outputs the following: PolyPhen-2: "Benign". The cysteine amino acid residue is found in multiple mammalian species, which suggests that this missense change does not adversely affect protein function. In summary, the available evidence is currently insufficient to determine the role of this variant in disease. Therefore, it has been classified as a Variant of Uncertain Significance.

Ambry Genetics
Classification: Benign for Cardiovascular phenotype. Last evaluated: 2023-08-03. Review status: criteria provided, single submitter. Criteria: Ambry Variant Classification Scheme 2023. Collection method: clinical testing. Allele origin: germline.

Neuberg Centre For Genomic Medicine, NCGM
Classification: Uncertain significance for Cardiac arrhythmia, ankyrin-B-related. Last evaluated: 2023-06-22. Review status: criteria provided, single submitter. Criteria: ACMG Guidelines, 2015. Collection method: clinical testing. Allele origin: germline. Inheritance: Autosomal dominant inheritance. Affected: yes.
Comment: The observed missense variant c.8423A>G(p.Tyr2808Cys) in ANK2 gene has not been reported previously as a pathogenic variant nor as a benign variant, to our knowledge. This variant is reported with 0.01% allele frequency in gnomAD Exomes. It has been submitted to ClinVar as Uncertain Significance. However, no details are available for independent assessment. The amino acid Tyr at position 2808 is changed to a Cys changing protein sequence and it might alter its composition and physico-chemical properties. Multiple lines of computational evidence (SIFT-Tolerated and MutationTaster-polymorphism) predict no damaging effect on protein structure and function for this variant. The reference amino acid p.Tyr2808Cys in ANK2 is predicted as conserved by PhyloP across 100 vertebrates. For these reasons, this variant has been classified as Uncertain Significance.

NM_001148.6(ANK2):c.8423A>G (p.Tyr2808Cys)

Gene: ANK2 (ankyrin 2; plus strand). Cytogenetic location: 4q26.
Variant type: single nucleotide variant.
Coding change: c.8423A>G on transcript NM_001148.6 (MANE Select); coding-DNA position 8423, A replaced by G.
Protein change: p.Tyr2808Cys; replaces tyrosine 2808 with cysteine.
Molecular consequence: missense variant. On other transcripts: intron variant (68).
Genome position (GRCh38, 1-based): chr4:113,357,041, A>G. VCF-style: chr4-113357041-A-G. GRCh37 (hg19) VCF-style: chr4-114278197-A-G.
Other names: c.4265-3782A>G (NM_001354275.2, NM_001354245.2, NM_001354262.2); c.4202-3782A>G (NM_001354253.2, NM_001354270.2); c.4166-3782A>G (NM_001354257.2, NM_001386156.1); c.4241-3782A>G (NM_001354249.2, NM_001354266.2, NM_001354276.2 and 2 more transcripts); c.4208-3782A>G (NM_001386146.1, NM_001386150.1, NM_001386149.1 and 1 more transcripts); c.4193-3782A>G (NM_001354274.2, NM_001386154.1); c.4142-3782A>G (NM_001386151.1, NM_001354260.2, NM_001354271.2); c.4043-3782A>G (NM_001386157.1, NM_001354277.2); and 36 more; short protein forms Y1608C, Y2730C, Y2808C, Y2847C, Y2855C.
Identifiers: ClinVar variation 1005220 (VCV001005220.8), dbSNP rs545512501, ClinGen allele CA3051770.